The following is an entry in ClinVar:

ClinVar aggregate classification (germline): Pathogenic (1 of 4 stars; one submission).

Conditions:
Long QT syndrome (LQTS). Identifiers: MedGen C0023976, MeSH D008133, MONDO:0002442. Disease mechanism: loss of function. Inheritance: Various modes of inheritance.

Submission:

Labcorp Genetics (formerly Invitae), Labcorp
Classification: Pathogenic for Long QT syndrome. Last evaluated: 2023-02-16. Review status: criteria provided, single submitter. Criteria: Invitae Variant Classification Sherloc (09022015). Collection method: clinical testing. Allele origin: unknown.
Comment: This variant is a gross deletion of the genomic region encompassing exon(s) 12-15 of the KCNH2 gene, which includes the termination codon. This deletion extends beyond the assayed region for this gene and therefore may encompass additional genes. While this deletion is not anticipated to lead to nonsense mediated decay, it is expected to alter mRNA translation or result in a truncated protein product. A similar copy number variant has been observed in individual(s) with clinical features of KCNH2-related conditions (PMID: 31737537). This variant disrupts a region of the KCNH2 protein in which other variant(s) (p.Leu1095Valfs*24) have been determined to be pathogenic (Invitae). This suggests that this is a clinically significant region of the protein, and that variants that disrupt it are likely to be disease-causing. For these reasons, this variant has been classified as Pathogenic.

Literature cited by the submitters: PubMed 31737537.

NC_000007.13:g.(?_150642453)_(150644986_?)del

Gene: KCNH2 (potassium voltage-gated channel subfamily H member 2; minus strand). Cytogenetic location: 7q36.1.
Variant type: Deletion.
Identifiers: ClinVar variation 3245699 (VCV003245699.1).